The following is an entry in ClinVar:

NM_006019.4(TCIRG1):c.2061T>G (p.Asn687Lys)

Gene: TCIRG1 (T cell immune regulator 1, ATPase H+ transporting V0 subunit a3; plus strand). Cytogenetic location: 11q13.2.
Variant type: single nucleotide variant.
Coding change: c.2061T>G on transcript NM_006019.4 (MANE Select); coding-DNA position 2061, T replaced by G.
Protein change: p.Asn687Lys; replaces asparagine 687 with lysine.
Molecular consequence: missense variant.
Genome position (GRCh38, 1-based): chr11:68,050,009, T>G. VCF-style: chr11-68050009-T-G. GRCh37 (hg19) VCF-style: chr11-67817476-T-G.
Other names: c.1167T>G, p.Asn389Lys (NM_001351059.2); c.2061T>G, p.Asn687Lys (NM_001440552.1, NM_001440553.1, NM_001440554.1 and 2 more transcripts); c.2019T>G, p.Asn673Lys (NM_001440555.1, NM_001440556.1, NM_001440563.1); c.1848T>G, p.Asn616Lys (NM_001440559.1, NM_001440560.1, NM_001440561.1 and 2 more transcripts); c.1806T>G, p.Asn602Lys (NM_001440564.1); c.1761T>G, p.Asn587Lys (NM_001440565.1); c.1599T>G, p.Asn533Lys (NM_001440567.1); c.1593T>G, p.Asn531Lys (NM_001440568.1); and 2 more; short protein forms N367K, N673K, N389K, N602K, N471K, N531K, N687K, N533K.
Identifiers: ClinVar variation 4769947 (VCV004769947.1).

ClinVar aggregate classification (germline): Uncertain significance (1 of 4 stars; one submission).

gnomAD v4.1: 1 of 1,613,232 alleles (0.000062%); highest among the groups gnomAD compares: South Asian, 0.0011%; no homozygotes.

Submission:

Labcorp Genetics (formerly Invitae), Labcorp
Classification: Uncertain significance. Last evaluated: 2025-07-02. Review status: criteria provided, single submitter. Criteria: Invitae Variant Classification Sherloc (09022015). Collection method: clinical testing. Allele origin: germline.
Comment: This sequence change replaces asparagine, which is neutral and polar, with lysine, which is basic and polar, at codon 687 of the TCIRG1 protein (p.Asn687Lys). This variant is present in population databases (no rsID available, gnomAD 0.003%). This variant has not been reported in the literature in individuals affected with TCIRG1-related conditions. An algorithm developed to predict the effect of missense changes on protein structure and function (PolyPhen-2) suggests that this variant is likely to be tolerated. In summary, the available evidence is currently insufficient to determine the role of this variant in disease. Therefore, it has been classified as a Variant of Uncertain Significance.